The following is an entry in ClinVar:

ClinVar aggregate classification (germline): Uncertain significance (1 of 4 stars; one submission).

Submission:

GeneDx
Classification: Uncertain significance. Last evaluated: 2024-01-03. Review status: criteria provided, single submitter. Criteria: GeneDx Variant Classification Process June 2021. Collection method: clinical testing. Allele origin: germline. Affected: yes.
Comment: Frameshift variant predicted to result in protein truncation or nonsense mediated decay in a gene or region of a gene for which loss of function is not a well-established mechanism of disease; Not observed at significant frequency in large population cohorts (gnomAD); Has not been previously published as pathogenic or benign to our knowledge

NM_006415.4(SPTLC1):c.1184del (p.His395fs)

Gene: SPTLC1 (serine palmitoyltransferase long chain base subunit 1; minus strand). Cytogenetic location: 9q22.31.
Variant type: Deletion.
Coding change: c.1184del on transcript NM_006415.4 (MANE Select); coding-DNA position 1184, one base deleted (A; older notation c.1184delA).
Protein change: p.His395fs; shifts the reading frame from histidine 395.
Molecular consequence: frameshift variant.
Genome position (GRCh38, 1-based): chr9:92,038,318, T deleted on the plus strand (A on the coding strand, the reverse complement: SPTLC1 is on the minus strand). VCF-style (leftmost placement, unchanged base first): chr9-92038317-GT-G. GRCh37 (hg19) VCF-style: chr9-94800599-GT-G.
Other names: c.1184del, p.His395fs (NM_001281303.2); c.818del, p.His273fs (NM_001368272.1); c.719del, p.His240fs (NM_001368273.1); c.1184delA, p.His395Profs (NM_006415.2); short protein forms H240fs, H273fs, H395fs.
Identifiers: ClinVar variation 3367315 (VCV003367315.1).